The following is an entry in ClinVar:

ClinVar aggregate classification (germline): Likely benign (0 of 4 stars; one submission).

Conditions:
AMPD2-related disorder. Also called: AMPD2-related condition.

Allele frequency attached by ClinVar (database versions not stated): gnomAD exomes below 0.00001; ExAC 0.00001; ESP Exome Variant Server 0.00008.
gnomAD v4.1: 3 of 1,613,600 alleles (0.00019%); highest among the groups gnomAD compares: Non-Finnish European, 0.00025%; no homozygotes.

Submission:

PreventionGenetics, part of Exact Sciences
Classification: Likely benign for AMPD2-related condition. Last evaluated: 2019-06-11. Review status: no assertion criteria provided. Collection method: clinical testing. Allele origin: germline.
Comment: This variant is classified as likely benign based on ACMG/AMP sequence variant interpretation guidelines (Richards et al. 2015 PMID: 25741868, with internal and published modifications).

NM_001368809.2(AMPD2):c.1263G>A (p.Leu421=)

Genes: AMPD2 (adenosine monophosphate deaminase 2; plus strand), LOC126805822 (BRD4-independent group 4 enhancer GRCh37_chr1:110170748-110171947; plus strand). Cytogenetic location: 1p13.3.
Variant type: single nucleotide variant.
Coding change: c.1263G>A on transcript NM_001368809.2 (MANE Select); coding-DNA position 1263, G replaced by A.
Protein change: p.Leu421=; no amino-acid change (leucine 421 retained).
Molecular consequence: synonymous variant.
Genome position (GRCh38, 1-based): chr1:109,628,265, G>A. VCF-style: chr1-109628265-G-A. GRCh37 (hg19) VCF-style: chr1-110170887-G-A.
Other names: c.1425G>A (NM_001257360.1); c.1071G>A, p.Leu357= (NM_001257361.2); c.1200G>A, p.Leu400= (NM_001308170.1); c.1263G>A, p.Leu421= (NM_004037.9); c.1182G>A, p.Leu394= (NM_139156.4).
Identifiers: ClinVar variation 3033482 (VCV003033482.2), dbSNP rs139411744, ClinGen allele CA993052.